The following is an entry in ClinVar:

NM_025114.4(CEP290):c.4938A>G (p.Lys1646=)

Gene: CEP290 (centrosomal protein 290; minus strand). Cytogenetic location: 12q21.32.
Variant type: single nucleotide variant.
Coding change: c.4938A>G on transcript NM_025114.4 (MANE Select); coding-DNA position 4938, A replaced by G.
Protein change: p.Lys1646=; no amino-acid change (lysine 1646 retained).
Molecular consequence: synonymous variant.
Genome position (GRCh38, 1-based): chr12:88,083,105, T>C on the plus strand (A>G on the coding strand, the complement: CEP290 is on the minus strand). VCF-style: chr12-88083105-T-C. GRCh37 (hg19) VCF-style: chr12-88476882-T-C.
Identifiers: ClinVar variation 241585 (VCV000241585.14), dbSNP rs371582975, ClinGen allele CA6711827.
Genomic context (GRCh38, chr12:88,083,105, plus strand): 5'-TTCAAATTCTTTTACTTTTAATTCAGTGATTTCTCTTTGTCTCTCCAAATCTTGTGATAC[T>C]TTCTTTAGTTTGACCAAGAGTGAGGAAAGAGAGTCATCTTGTTCTGCTACTGTCTGTTCC-3'
Protein context (NP_079390.3, residues 1636-1656): SLSSLLVKLK[Lys1646=]VSQDLERQRE

ClinVar aggregate classification (germline): Conflicting classifications of pathogenicity. Review status: criteria provided, conflicting classifications (1 of 4 stars). 5 submissions from 5 submitters: Uncertain significance (3); Likely benign (1). 1 of the submissions does not count toward it. Last evaluated 2026-06-05.

Conditions:
Nephronophthisis. Also called: Juvenile Nephronophthisis. Identifiers: Orphanet 655, MedGen C0687120, MONDO:0019005, HP:0000090.
Meckel-Gruber syndrome. Also called: DYSENCEPHALIA SPLANCHNOCYSTICA; GRUBER SYNDROME; Dysencephalia splachnocystica. Identifiers: Orphanet 564, MedGen C0265215, MONDO:0018921.
Joubert syndrome. Also called: Familial aplasia of the vermis; JOUBERT-BOLTSHAUSER SYNDROME. Identifiers: Orphanet 475, MedGen C5979921, MONDO:0018772.
CEP290-related disorder. Also called: CEP290-related condition; CEP290-related disorders. Identifiers: MedGen CN239314.
Bardet-Biedl syndrome 14 (BBS14). Identifiers: Orphanet 110, MedGen C2673874, MONDO:0014442, OMIM 615991.
Leber congenital amaurosis 10 (LCA10). Identifiers: Orphanet 65, MedGen C1857821, MONDO:0012723, OMIM 611755.
Joubert syndrome 5 (JBTS5). Identifiers: Orphanet 2318, MedGen C1857780, MONDO:0012432, OMIM 610188.
Senior-Loken syndrome 6 (SLSN6). Identifiers: Orphanet 3156, MedGen C1857779, MONDO:0012433, OMIM 610189.
Meckel syndrome, type 4 (MKS4). Also called: MECKEL-GRUBER SYNDROME, TYPE 4. Identifiers: Orphanet 564, MedGen C1970161, MONDO:0012626, OMIM 611134.
Leber congenital amaurosis (LCA). Also called: Leber's amaurosis. Identifiers: Orphanet 65, MedGen C0339527, MeSH D057130, MONDO:0018998.

Allele frequency attached by ClinVar (database versions not stated): gnomAD exomes 0.00006 and 0.00008; gnomAD 0.00010; TOPMed 0.00015; ExAC 0.00024; ESP Exome Variant Server 0.00051.

Submissions (5):

PreventionGenetics, part of Exact Sciences
Classification: Uncertain significance for CEP290-related condition. Last evaluated: 2026-06-05. Review status: criteria provided, single submitter. Criteria: ACMG Guidelines, 2015. Collection method: clinical testing. Allele origin: germline.
Comment: The CEP290 c.4938A>G variant is not predicted to result in an amino acid change (p.=). Available splicing prediction programs indicate that this variant may lead to the creation of a novel splice donor site (SpliceAI, Jaganathan et al. 2019. PubMed ID: 30661751). However, the use of computer prediction programs is not equivalent to functional evidence. To our knowledge, this variant has not been reported in the literature. This variant is reported in 0.023% of alleles in individuals of African descent in gnomAD. At this time, the clinical significance of this variant is uncertain due to the absence of conclusive functional and genetic evidence.

Labcorp Genetics (formerly Invitae), Labcorp
Classification: Likely benign for Joubert syndrome; Meckel-Gruber syndrome; Nephronophthisis. Last evaluated: 2025-11-18. Review status: criteria provided, single submitter. Criteria: Invitae Variant Classification Sherloc (09022015). Collection method: clinical testing. Allele origin: germline.

Blueprint Genetics
Classification: Uncertain significance. Last evaluated: 2024-11-26. Review status: criteria provided, single submitter. Criteria: ACMG Guidelines, 2015. Collection method: clinical testing. Allele origin: germline.

Fulgent Genetics
Classification: Uncertain significance for Joubert syndrome 5; Senior-Loken syndrome 6; Meckel syndrome, type 4; Leber congenital amaurosis 10; Bardet-Biedl syndrome 14. Last evaluated: 2018-10-31. Review status: criteria provided, single submitter. Criteria: ACMG Guidelines, 2015. Collection method: clinical testing. Allele origin: unknown.

Natera, Inc.
Classification: Uncertain significance for Leber congenital amaurosis. Last evaluated: 2020-04-17. Review status: no assertion criteria provided. Collection method: clinical testing. Allele origin: germline. Not counted in ClinVar's aggregate classification.